The following is an entry in ClinVar:

ClinVar aggregate classification (germline): Uncertain significance (1 of 4 stars; one submission).

Conditions:
GIGYF2-related disorder. Also called: GIGYF2-related condition.

gnomAD v4.1: 13 of 1,517,584 alleles (0.00086%); highest among the groups gnomAD compares: African/African-American, 0.0041%; no homozygotes.

Submission:

PreventionGenetics, part of Exact Sciences
Classification: Uncertain significance for GIGYF2-related condition. Last evaluated: 2025-12-15. Review status: criteria provided, single submitter. Criteria: ACMG Guidelines, 2015. Collection method: clinical testing. Allele origin: germline.
Comment: The GIGYF2 c.175C>T variant is predicted to result in the amino acid substitution p.Pro59Ser. To our knowledge, this variant has not been reported in the literature. This variant is reported in 0.0080% of alleles in individuals of African descent in gnomAD. At this time, the clinical significance of this variant is uncertain due to the absence of conclusive functional and genetic evidence.

NM_001103146.3(GIGYF2):c.175C>T (p.Pro59Ser)

Gene: GIGYF2 (GRB10 interacting GYF protein 2; plus strand). Cytogenetic location: 2q37.1.
Variant type: single nucleotide variant.
Coding change: c.175C>T on transcript NM_001103146.3 (MANE Select); coding-DNA position 175, C replaced by T.
Protein change: p.Pro59Ser; replaces proline 59 with serine.
Molecular consequence: missense variant. On other transcripts: non-coding transcript variant (1).
Genome position (GRCh38, 1-based): chr2:232,748,990, C>T. VCF-style: chr2-232748990-C-T. GRCh37 (hg19) VCF-style: chr2-233613700-C-T.
Other names: c.175C>T, p.Pro59Ser (NM_001103147.2, NM_001103148.2, NM_015575.4); short protein forms P59S.
Identifiers: ClinVar variation 4977237 (VCV004977237.1).
Genomic context (GRCh38, chr2:232,748,990, plus strand): 5'-ATTTCTTCTTATTGCAGAAATAGCATTAATCTCATAATCATGTGTTTGGTCCTACAGATA[C>T]CTTCAGACCTTCTGGATAAAGAATTTCTGCCTATCCTCCAGGAGGAACCCCTTCCACCAT-3'
Protein context (NP_001096616.1, residues 49-69): LALFLKDNKI[Pro59Ser]SDLLDKEFLP